The following is an entry in ClinVar:

NM_000212.3(ITGB3):c.749A>G (p.Asp250Gly)

Gene: ITGB3 (integrin subunit beta 3; plus strand). Cytogenetic location: 17q21.32.
Variant type: single nucleotide variant.
Coding change: c.749A>G on transcript NM_000212.3 (MANE Select); coding-DNA position 749, A replaced by G.
Protein change: p.Asp250Gly; replaces aspartic acid 250 with glycine.
Molecular consequence: missense variant.
Genome position (GRCh38, 1-based): chr17:47,286,394, A>G. VCF-style: chr17-47286394-A-G. GRCh37 (hg19) VCF-style: chr17-45363760-A-G.
Other names: NM_000212.3(ITGB3):c.749A>G; p.Asp250Gly; short protein forms D250G.
Identifiers: ClinVar variation 374016 (VCV000374016.7), dbSNP rs1057518838, ClinGen allele CA16043530.

ClinVar aggregate classification (germline): Likely pathogenic. Review status: reviewed by expert panel (3 of 4 stars). 3 submissions from 2 submitters: Likely pathogenic (1). 2 of the submissions do not count toward it. Last evaluated 2025-11-06.

Conditions:
Platelet-type bleeding disorder 16 (BDPLT16). Also called: Bleeding disorder, platelet-type, 16, autosomal dominant. Identifiers: Orphanet 140957, MedGen C5442010, MONDO:0008552, OMIM 187800.
Glanzmann thrombasthenia. Also called: BLEEDING DISORDER, PLATELET-TYPE, 2; THROMBASTHENIA OF GLANZMANN AND NAEGELI; Thrombasthenia; Glanzmann's thrombasthenia; PLATELET GLYCOPROTEIN IIb-IIIa DEFICIENCY. Identifiers: Orphanet 849, MedGen C0040015, MONDO:0100326.
Prolonged bleeding time. Identifiers: MedGen C0151529, HP:0003010.
Abnormal bleeding. Also called: Bleeding diathesis. Identifiers: MedGen C1458140, HP:0001892.

Submissions (3):

ClinGen Platelet Disorders Variant Curation Expert Panel, ClinGen
Classification: Likely pathogenic for Glanzmann thrombasthenia. Last evaluated: 2025-11-06. Review status: reviewed by expert panel. Criteria: ClinGen Platelet ACMG Specifications v2-1. Collection method: curation. Allele origin: germline. Inheritance: Autosomal recessive inheritance.
Comment: The c.749A>G variant in ITGB3 is a missense variant predicted to cause substitution of aspartic acid by glycine at amino acid 250. The variant has been reported in at least one patient (Glanzmann Patient, "HEMOSTAZA SKOZI KLINIČNE PRIMERE" August 2022) who displayed mucocutaneous bleeding and impaired aggregation with all agonists except ristocetin, which is highly specific for Glanzmann thrombasthenia (PP4_moderate). This individual is compound heterozygous for this variant and pathogenic variant c.1699C>T (p.Gln567Ter) (PM3). The variant is absent from gnomADv4.1 (PM2_supporting). The computational predictor REVEL gives a score of 0.988, which is above the ClinGen PD VCEP PP3 threshold of >0.7 and predicts a damaging effect on ITGB3 function. In summary, this variant meets the criteria to be classified as likely pathogenic for autosomal recessive Glanzmann Thrombasthenia based on the ACMG/AMP criteria applied, as specified by the ClinGen PD VCEP: PM2_Supporting, PP3, PP4_moderate, and PM3. (VCEP specifications version 2.1)

Centre for Mendelian Genomics, University Medical Centre Ljubljana
Classification: Likely pathogenic for Platelet-type bleeding disorder 16. Last evaluated: 2016-01-01. Review status: criteria provided, single submitter. Criteria: ACMG Guidelines, 2015. Collection method: clinical testing. Allele origin: unknown. Affected: yes. Not counted in ClinVar's aggregate classification.
Comment: This variant was classified as: Likely pathogenic.

Centre for Mendelian Genomics, University Medical Centre Ljubljana
Classification: Likely pathogenic for Abnormal bleeding; Prolonged bleeding time. Last evaluated: 2015-11-06. Review status: criteria provided, single submitter. Criteria: ACMG Guidelines, 2015. Collection method: clinical testing. Allele origin: unknown. Affected: yes. Not counted in ClinVar's aggregate classification.